The following is an entry in ClinVar:

ClinVar aggregate classification (germline): Uncertain significance (1 of 4 stars; one submission).

Conditions:
RASopathy. Also called: rasopathies; Noonan spectrum disorder. Identifiers: Orphanet 536391, MedGen C5555857, MONDO:0021060.

Allele frequency attached by ClinVar (database versions not stated): TOPMed below 0.00001.

Submission:

Labcorp Genetics (formerly Invitae), Labcorp
Classification: Uncertain significance for RASopathy. Last evaluated: 2022-05-01. Review status: criteria provided, single submitter. Criteria: Invitae Variant Classification Sherloc (09022015). Collection method: clinical testing. Allele origin: germline.
Comment: In summary, the available evidence is currently insufficient to determine the role of this variant in disease. Therefore, it has been classified as a Variant of Uncertain Significance. Advanced modeling of protein sequence and biophysical properties (such as structural, functional, and spatial information, amino acid conservation, physicochemical variation, residue mobility, and thermodynamic stability) performed at Invitae indicates that this missense variant is not expected to disrupt CBL protein function. This variant has not been reported in the literature in individuals affected with CBL-related conditions. This variant is not present in population databases (gnomAD no frequency). This sequence change replaces serine, which is neutral and polar, with glycine, which is neutral and non-polar, at codon 716 of the CBL protein (p.Ser716Gly).

NM_005188.4(CBL):c.2146A>G (p.Ser716Gly)

Gene: CBL (Cbl proto-oncogene; plus strand). Cytogenetic location: 11q23.3.
Variant type: single nucleotide variant.
Coding change: c.2146A>G on transcript NM_005188.4 (MANE Select); coding-DNA position 2146, A replaced by G.
Protein change: p.Ser716Gly; replaces serine 716 with glycine.
Molecular consequence: missense variant.
Genome position (GRCh38, 1-based): chr11:119,297,027, A>G. VCF-style: chr11-119297027-A-G. GRCh37 (hg19) VCF-style: chr11-119167737-A-G.
Other names: short protein forms S716G.
Identifiers: ClinVar variation 1949686 (VCV001949686.5), dbSNP rs1950068635, ClinGen allele CA382927435.